The following is an entry in ClinVar:

NM_001277115.2(DNAH11):c.1006G>A (p.Glu336Lys)

Gene: DNAH11 (dynein axonemal heavy chain 11; plus strand). Cytogenetic location: 7p15.3.
Variant type: single nucleotide variant.
Coding change: c.1006G>A on transcript NM_001277115.2 (MANE Select); coding-DNA position 1006, G replaced by A.
Protein change: p.Glu336Lys; replaces glutamic acid 336 with lysine.
Molecular consequence: missense variant.
Genome position (GRCh38, 1-based): chr7:21,564,209, G>A. VCF-style: chr7-21564209-G-A. GRCh37 (hg19) VCF-style: chr7-21603827-G-A.
Other names: short protein forms E336K.
Identifiers: ClinVar variation 955240 (VCV000955240.8), dbSNP rs374332166, ClinGen allele CA4178877.

ClinVar aggregate classification (germline): Conflicting classifications of pathogenicity. Review status: criteria provided, conflicting classifications (1 of 4 stars). 2 submissions from 2 submitters: Uncertain significance (1); Benign (1). Last evaluated 2024-03-02.

Conditions:
Primary ciliary dyskinesia. Also called: Ciliary dyskinesia. Identifiers: Orphanet 244, MedGen C0008780, MONDO:0016575, HP:0012265.

Allele frequency attached by ClinVar (database versions not stated): ESP Exome Variant Server 0.00008; gnomAD 0.00001; TOPMed 0.00001; gnomAD exomes 0.00003; ExAC 0.00005.
gnomAD v4.1: 22 of 1,600,236 alleles (0.0014%); highest among the groups gnomAD compares: South Asian, 0.013%; no homozygotes.

Submissions (2):

Labcorp Genetics (formerly Invitae), Labcorp
Classification: Benign for Primary ciliary dyskinesia. Last evaluated: 2024-03-02. Review status: criteria provided, single submitter. Criteria: Invitae Variant Classification Sherloc (09022015). Collection method: clinical testing. Allele origin: germline.

GeneDx
Classification: Uncertain significance. Last evaluated: 2024-01-22. Review status: criteria provided, single submitter. Criteria: GeneDx Variant Classification Process June 2021. Collection method: clinical testing. Allele origin: germline. Affected: yes.
Comment: In silico analysis supports that this missense variant does not alter protein structure/function; Has not been previously published as pathogenic or benign to our knowledge